The following is an entry in ClinVar:

ClinVar aggregate classification (germline): Uncertain significance (1 of 4 stars; one submission).

Conditions:
Inborn genetic diseases. Identifiers: MedGen C0950123, MeSH D030342.

gnomAD v4.1: 1 of 1,613,040 alleles (0.000062%); highest among the groups gnomAD compares: Non-Finnish European, 0.000085%; no homozygotes.

Submission:

Ambry Genetics
Classification: Uncertain significance for Inborn genetic diseases. Last evaluated: 2024-11-14. Review status: criteria provided, single submitter. Criteria: Ambry Variant Classification Scheme 2023. Collection method: clinical testing. Allele origin: germline.
Comment: The p.R1847S variant (also known as c.5541G>T), located in coding exon 38 of the LRRK2 gene, results from a G to T substitution at nucleotide position 5541. The arginine at codon 1847 is replaced by serine, an amino acid with dissimilar properties. This amino acid position is conserved. In addition, this alteration is predicted to be tolerated by in silico analysis. Since supporting evidence is limited at this time, the clinical significance of this alteration remains unclear.

NM_198578.4(LRRK2):c.5541G>T (p.Arg1847Ser)

Gene: LRRK2 (leucine rich repeat kinase 2; plus strand). Cytogenetic location: 12q12.
Variant type: single nucleotide variant.
Coding change: c.5541G>T on transcript NM_198578.4 (MANE Select); coding-DNA position 5541, G replaced by T.
Protein change: p.Arg1847Ser; replaces arginine 1847 with serine.
Molecular consequence: missense variant.
Genome position (GRCh38, 1-based): chr12:40,323,191, G>T. VCF-style: chr12-40323191-G-T. GRCh37 (hg19) VCF-style: chr12-40716993-G-T.
Other names: short protein forms R1847S.
Identifiers: ClinVar variation 1748204 (VCV001748204.3), dbSNP rs370951456, ClinGen allele CA384421013.
Genomic context (GRCh38, chr12:40,323,191, plus strand): 5'-TATTTAAAAAATGTTTTATTACTTCTCAGGAGATCTCTTAGTAAATCCAGATCAACCAAG[G>T]CTCACCATTCCAATATCTCAGATTGCCCCTGACTTGATTTTGGCTGACCTGCCTAGAAAT-3'
Protein context (NP_940980.4, residues 1837-1857): GDLLVNPDQP[Arg1847Ser]LTIPISQIAP